The following is an entry in ClinVar:

NM_005726.6(TSFM):c.11_22dup (p.Leu7_Arg8insLeuArgSerLeu)

Gene: TSFM (Ts translation elongation factor, mitochondrial; plus strand). Cytogenetic location: 12q14.1.
Variant type: Duplication.
Coding change: c.11_22dup on transcript NM_005726.6 (MANE Select); coding-DNA positions 11 to 22, 12 bases duplicated (TGCGGTCGCTGC).
Protein change: p.Leu7_Arg8insLeuArgSerLeu.
Molecular consequence: inframe insertion, initiator codon variant.
Genome position (GRCh38, 1-based): chr12:57,782,812-57,782,823, TGCGGTCGCTGC duplicated; duplicating any 12 consecutive bases within chr12:57,782,804-57,782,823 gives the same sequence; the c. name uses the placement nearest the transcript's 3' end. VCF-style (leftmost placement, unchanged base first): chr12-57782803-T-TGTCGCTGCTGCG. GRCh37 (hg19) VCF-style: chr12-58176586-T-TGTCGCTGCTGCG.
Other names: c.11_22dup, p.Leu7_Arg8insLeuArgSerLeu (NM_001172695.2, NM_001172696.2, NM_001172697.2).
Identifiers: ClinVar variation 2162512 (VCV002162512.3), dbSNP rs1199036464, ClinGen allele CA690320298.

ClinVar aggregate classification (germline): Uncertain significance (1 of 4 stars; one submission).

Submission:

Labcorp Genetics (formerly Invitae), Labcorp
Classification: Uncertain significance. Last evaluated: 2025-10-01. Review status: criteria provided, single submitter. Criteria: Invitae Variant Classification Sherloc (09022015). Collection method: clinical testing. Allele origin: germline.
Comment: This variant, c.11_22dup, results in the insertion of 4 amino acid(s) of the TSFM protein (p.Leu4_Leu7dup), but otherwise preserves the integrity of the reading frame. This variant is not present in population databases (gnomAD no frequency). This variant has not been reported in the literature in individuals affected with TSFM-related conditions. ClinVar contains an entry for this variant (Variation ID: 2162512). Experimental studies and prediction algorithms are not available or were not evaluated, and the functional significance of this variant is currently unknown. In summary, the available evidence is currently insufficient to determine the role of this variant in disease. Therefore, it has been classified as a Variant of Uncertain Significance.